The following is an entry in ClinVar:

NM_004360.5(CDH1):c.562G>C (p.Val188Leu)

Gene: CDH1 (cadherin 1; plus strand). Cytogenetic location: 16q22.1.
Variant type: single nucleotide variant.
Coding change: c.562G>C on transcript NM_004360.5 (MANE Select); coding-DNA position 562, G replaced by C.
Protein change: p.Val188Leu; replaces valine 188 with leucine.
Molecular consequence: missense variant. On other transcripts: 5 prime UTR variant (2).
Genome position (GRCh38, 1-based): chr16:68,808,723, G>C. VCF-style: chr16-68808723-G-C. GRCh37 (hg19) VCF-style: chr16-68842626-G-C.
Other names: c.562G>C, p.Val188Leu (NM_001317184.2); c.-1054G>C (NM_001317185.2); c.-1258G>C (NM_001317186.2); c.562G>C (NM_004360.3); short protein forms V188L.
Identifiers: ClinVar variation 1487497 (VCV001487497.9), dbSNP rs775484115, ClinGen allele CA396457906.

ClinVar aggregate classification (germline): Uncertain significance. Review status: criteria provided, multiple submitters, no conflicts (2 of 4 stars). 2 submissions from 2 submitters: Uncertain significance (2). Last evaluated 2025-04-07.

Conditions:
Hereditary diffuse gastric adenocarcinoma (HDGC). Also called: DIFFUSE GASTRIC AND LOBULAR BREAST CANCER SYNDROME. Identifiers: Orphanet 26106, MedGen C1708349, MONDO:0007648, OMIM 137215.
Hereditary cancer-predisposing syndrome. Also called: Neoplastic Syndromes, Hereditary; Tumor predisposition; Hereditary neoplastic syndrome; Hereditary Cancer Syndrome. Identifiers: Orphanet 140162, MedGen C0027672, MeSH D009386, MONDO:0015356.

Submissions (2):

Ambry Genetics
Classification: Uncertain significance for Hereditary cancer-predisposing syndrome. Last evaluated: 2025-04-07. Review status: criteria provided, single submitter. Criteria: Ambry Variant Classification Scheme 2023. Collection method: clinical testing. Allele origin: germline.
Comment: The p.V188L variant (also known as c.562G>C), located in coding exon 5 of the CDH1 gene, results from a G to C substitution at nucleotide position 562. The valine at codon 188 is replaced by leucine, an amino acid with highly similar properties. This amino acid position is conserved. In addition, this alteration is predicted to be tolerated by in silico analysis. Based on the available evidence, the clinical significance of this variant remains unclear.

Labcorp Genetics (formerly Invitae), Labcorp
Classification: Uncertain significance for Hereditary diffuse gastric adenocarcinoma. Last evaluated: 2020-11-23. Review status: criteria provided, single submitter. Criteria: Invitae Variant Classification Sherloc (09022015). Collection method: clinical testing. Allele origin: germline.
Comment: This variant has not been reported in the literature in individuals with CDH1-related conditions. This variant is not present in population databases (ExAC no frequency). This sequence change replaces valine with leucine at codon 188 of the CDH1 protein (p.Val188Leu). The valine residue is highly conserved and there is a small physicochemical difference between valine and leucine. Algorithms developed to predict the effect of missense changes on protein structure and function are either unavailable or do not agree on the potential impact of this missense change (SIFT: "Tolerated"; PolyPhen-2: "Probably Damaging"; Align-GVGD: "Class C0"). In summary, the available evidence is currently insufficient to determine the role of this variant in disease. Therefore, it has been classified as a Variant of Uncertain Significance.